The following is an entry in ClinVar:

ClinVar aggregate classification (germline): Uncertain significance (1 of 4 stars; one submission).

Conditions:
Gastrointestinal stromal tumor. Also called: Gastrointestinal stromal tumor, somatic; Gastrointestinal stroma tumor. Identifiers: Orphanet 44890, MedGen C0238198, MeSH D046152, MONDO:0011719, OMIM 606764, HP:0100723.

Submission:

Labcorp Genetics (formerly Invitae), Labcorp
Classification: Uncertain significance for Gastrointestinal stromal tumor. Last evaluated: 2022-11-01. Review status: criteria provided, single submitter. Criteria: Invitae Variant Classification Sherloc (09022015). Collection method: clinical testing. Allele origin: germline.
Comment: This sequence change replaces leucine, which is neutral and non-polar, with methionine, which is neutral and non-polar, at codon 409 of the PDGFRA protein (p.Leu409Met). This variant is not present in population databases (gnomAD no frequency). This variant has not been reported in the literature in individuals affected with PDGFRA-related conditions. Advanced modeling of protein sequence and biophysical properties (such as structural, functional, and spatial information, amino acid conservation, physicochemical variation, residue mobility, and thermodynamic stability) performed at Invitae indicates that this missense variant is not expected to disrupt PDGFRA protein function. In summary, the available evidence is currently insufficient to determine the role of this variant in disease. Therefore, it has been classified as a Variant of Uncertain Significance.

NM_006206.6(PDGFRA):c.1225C>A (p.Leu409Met)

Gene: PDGFRA (platelet derived growth factor receptor alpha; plus strand). Cytogenetic location: 4q12.
Variant type: single nucleotide variant.
Coding change: c.1225C>A on transcript NM_006206.6 (MANE Select); coding-DNA position 1225, C replaced by A.
Protein change: p.Leu409Met; replaces leucine 409 with methionine.
Molecular consequence: missense variant.
Genome position (GRCh38, 1-based): chr4:54,270,736, C>A. VCF-style: chr4-54270736-C-A. GRCh37 (hg19) VCF-style: chr4-55136903-C-A.
Other names: c.1225C>A, p.Leu409Met (NM_001347827.2, NM_001347829.2); c.1300C>A, p.Leu434Met (NM_001347828.2); c.1264C>A, p.Leu422Met (NM_001347830.2); short protein forms L409M, L422M, L434M.
Identifiers: ClinVar variation 2801868 (VCV002801868.3), dbSNP rs2110280297, ClinGen allele CA356892097.
Genomic context (GRCh38, chr4:54,270,736, plus strand): 5'-AGTGGCCATTATACTATTGTAGCTCAAAATGAAGATGCTGTGAAGAGCTATACTTTTGAA[C>A]TGTTAACTCAAGGTATGTAAAGGGAGTATAAAGATAATGCTAGCTCTGTAGATGAGTGTC-3'
Protein context (NP_006197.1, residues 399-419): EDAVKSYTFE[Leu409Met]LTQVPSSILD